The following is an entry in ClinVar:

NM_006206.6(PDGFRA):c.1928C>G (p.Ser643Cys)

Gene: PDGFRA (platelet derived growth factor receptor alpha; plus strand). Cytogenetic location: 4q12.
Variant type: single nucleotide variant.
Coding change: c.1928C>G on transcript NM_006206.6 (MANE Select); coding-DNA position 1928, C replaced by G.
Protein change: p.Ser643Cys; replaces serine 643 with cysteine.
Molecular consequence: missense variant.
Genome position (GRCh38, 1-based): chr4:54,277,932, C>G. VCF-style: chr4-54277932-C-G. GRCh37 (hg19) VCF-style: chr4-55144099-C-G.
Other names: c.1928C>G, p.Ser643Cys (NM_001347827.2, NM_001347829.2); c.2003C>G, p.Ser668Cys (NM_001347828.2); c.1967C>G, p.Ser656Cys (NM_001347830.2); short protein forms S668C, S643C, S656C.
Identifiers: ClinVar variation 843324 (VCV000843324.10), dbSNP rs1723828172, ClinGen allele CA356893645.

ClinVar aggregate classification (germline): Uncertain significance. Review status: criteria provided, multiple submitters, no conflicts (2 of 4 stars). 2 submissions from 2 submitters: Uncertain significance (2). Last evaluated 2026-01-19.

Conditions:
Gastrointestinal stromal tumor. Also called: Gastrointestinal stromal tumor, somatic; Gastrointestinal stroma tumor. Identifiers: Orphanet 44890, MedGen C0238198, MeSH D046152, MONDO:0011719, OMIM 606764, HP:0100723.
Hereditary cancer-predisposing syndrome. Also called: Neoplastic Syndromes, Hereditary; Tumor predisposition; Hereditary Cancer Syndrome; Hereditary neoplastic syndrome. Identifiers: Orphanet 140162, MedGen C0027672, MeSH D009386, MONDO:0015356.

Submissions (2):

Labcorp Genetics (formerly Invitae), Labcorp
Classification: Uncertain significance for Gastrointestinal stromal tumor. Last evaluated: 2026-01-19. Review status: criteria provided, single submitter. Criteria: Invitae Variant Classification Sherloc (09022015). Collection method: clinical testing. Allele origin: germline.
Comment: This sequence change replaces serine, which is neutral and polar, with cysteine, which is neutral and slightly polar, at codon 643 of the PDGFRA protein (p.Ser643Cys). This variant is not present in population databases (gnomAD no frequency). This variant has not been reported in the literature in individuals affected with PDGFRA-related conditions. ClinVar contains an entry for this variant (Variation ID: 843324). Invitae Evidence Modeling of protein sequence and biophysical properties (such as structural, functional, and spatial information, amino acid conservation, physicochemical variation, residue mobility, and thermodynamic stability) has been performed for this missense variant. However, the output from this modeling did not meet the statistical confidence thresholds required to predict the impact of this variant on PDGFRA protein function. In summary, the available evidence is currently insufficient to determine the role of this variant in disease. Therefore, it has been classified as a Variant of Uncertain Significance.

Ambry Genetics
Classification: Uncertain significance for Hereditary cancer-predisposing syndrome. Last evaluated: 2025-10-03. Review status: criteria provided, single submitter. Criteria: Ambry Variant Classification Scheme 2023. Collection method: clinical testing. Allele origin: germline.
Comment: The p.S643C variant (also known as c.1928C>G), located in coding exon 13 of the PDGFRA gene, results from a C to G substitution at nucleotide position 1928. The serine at codon 643 is replaced by cysteine, an amino acid with dissimilar properties. This amino acid position is conserved. In addition, this alteration is predicted to be deleterious by in silico analysis. Based on the available evidence, the clinical significance of this variant remains unclear.